The following is an entry in ClinVar:

ClinVar aggregate classification (germline): Pathogenic. Review status: criteria provided, multiple submitters, no conflicts (2 of 4 stars). 3 submissions from 3 submitters: Pathogenic (3). Last evaluated 2024-06-27.

Conditions:
Global developmental delay with speech and behavioral abnormalities. Identifiers: MedGen C5543226, MONDO:0030995, OMIM 619243.

gnomAD v4.1: 1 of 1,593,510 alleles (0.000063%); highest among the groups gnomAD compares: Non-Finnish European, 0.000085%; no homozygotes.

Submissions (3):

3billion
Classification: Pathogenic for Global developmental delay with speech and behavioral abnormalities. Last evaluated: 2024-06-27. Review status: criteria provided, single submitter. Criteria: ACMG Guidelines, 2015. Collection method: clinical testing. Allele origin: germline. Affected: yes.
Comment: The variant is observed at an extremely low frequency in the gnomAD v4.0.0 dataset (total allele frequency: <0.001%). Predicted Consequence/Location: Stop-gained (nonsense): predicted to result in a loss or disruption of normal protein function through nonsense-mediated decay (NMD) or protein truncation. Multiple pathogenic variants are reported downstream of the variant. The variant has been previously reported as de novo in a similarly affected individual. The variant has been reported at least twice as pathogenic without evidence for the classification (ClinVar ID: VCV001325802 /PMID: 32152250). Therefore, this variant is classified as Pathogenic according to the recommendation of ACMG/AMP guideline.

GeneDx
Classification: Pathogenic. Last evaluated: 2022-07-01. Review status: criteria provided, single submitter. Criteria: GeneDx Variant Classification Process June 2021. Collection method: clinical testing. Allele origin: germline. Affected: yes.
Comment: Nonsense variant predicted to result in protein truncation or nonsense mediated decay in a gene for which loss of function is a known mechanism of disease; Not observed at significant frequency in large population cohorts (gnomAD); This variant is associated with the following publications: (PMID: 32152250)

Institute of Human Genetics, University of Leipzig Medical Center
Classification: Pathogenic for Global developmental delay with speech and behavioral abnormalities. Last evaluated: 2021-10-27. Review status: criteria provided, single submitter. Criteria: ACMG Guidelines, 2015. Collection method: clinical testing. Allele origin: de novo. Affected: yes.
Comment: This variant was identified as de novo (maternity and paternity confirmed). Criteria applied: PVS1, PS2_MOD, PS4_MOD, PM2_SUP

Literature cited by the submitters: PubMed 32152250 (cited by 3billion).

NM_001162501.2(TNRC6B):c.2039G>A (p.Trp680Ter)

Gene: TNRC6B (trinucleotide repeat containing adaptor 6B; plus strand). Cytogenetic location: 22q13.1.
Variant type: single nucleotide variant.
Coding change: c.2039G>A on transcript NM_001162501.2 (MANE Select); coding-DNA position 2039, G replaced by A.
Protein change: p.Trp680Ter; replaces tryptophan 680 with a stop codon.
Molecular consequence: nonsense. On other transcripts: intron variant (1).
Genome position (GRCh38, 1-based): chr22:40,266,269, G>A. VCF-style: chr22-40266269-G-A. GRCh37 (hg19) VCF-style: chr22-40662273-G-A.
Other names: c.2039G>A, p.Trp680Ter (NM_015088.3); c.566-3853G>A (NM_001024843.2); c.2039G>A (NM_001162501.1); short protein forms W680*.
Identifiers: ClinVar variation 1325802 (VCV001325802.3), dbSNP rs750268759, ClinGen allele CA411631791.